The following is an entry in ClinVar:

NM_017882.3(CLN6):c.199-2A>G

Gene: CLN6 (CLN6 transmembrane ER protein; minus strand). Cytogenetic location: 15q23.
Variant type: single nucleotide variant.
Coding change: c.199-2A>G on transcript NM_017882.3 (MANE Select); the canonical splice acceptor site of the intron before coding-DNA position 199, A replaced by G.
Molecular consequence: splice acceptor variant.
Genome position (GRCh38, 1-based): chr15:68,214,390, T>C on the plus strand (A>G on the coding strand, the complement: CLN6 is on the minus strand). VCF-style: chr15-68214390-T-C. GRCh37 (hg19) VCF-style: chr15-68506728-T-C.
Other names: c.295-2A>G (NM_001411068.1).
Identifiers: ClinVar variation 841102 (VCV000841102.8), dbSNP rs1471253353, ClinGen allele CA392974522.

ClinVar aggregate classification (germline): Likely pathogenic (1 of 4 stars; one submission).

Conditions:
Neuronal ceroid lipofuscinosis. Also called: Neuronal Ceroid Lipofuscinoses. Identifiers: Orphanet 216, Orphanet 79263, MedGen C0027877, MONDO:0016295. Disease mechanism: loss of function.

Allele frequency attached by ClinVar (database versions not stated): gnomAD 0.00001; TOPMed 0.00001.
gnomAD v4.1: 1 of 1,612,162 alleles (0.000062%); highest among the groups gnomAD compares: Non-Finnish European, 0.000085%; no homozygotes.

Submission:

Labcorp Genetics (formerly Invitae), Labcorp
Classification: Likely pathogenic for Neuronal ceroid lipofuscinosis. Last evaluated: 2022-08-01. Review status: criteria provided, single submitter. Criteria: Invitae Variant Classification Sherloc (09022015). Collection method: clinical testing. Allele origin: germline.
Comment: This variant is not present in population databases (gnomAD no frequency). This sequence change affects an acceptor splice site in intron 2 of the CLN6 gene. It is expected to disrupt RNA splicing. Variants that disrupt the donor or acceptor splice site typically lead to a loss of protein function (PMID: 16199547), and loss-of-function variants in CLN6 are known to be pathogenic (PMID: 19135028). This variant has not been reported in the literature in individuals affected with CLN6-related conditions. ClinVar contains an entry for this variant (Variation ID: 841102). Algorithms developed to predict the effect of sequence changes on RNA splicing suggest that this variant may disrupt the consensus splice site. In summary, the currently available evidence indicates that the variant is pathogenic, but additional data are needed to prove that conclusively. Therefore, this variant has been classified as Likely Pathogenic.

Literature cited by the submitters: PubMed 16199547; PubMed 19135028.